The following is an entry in ClinVar:

NM_015141.4(GPD1L):c.658C>T (p.Arg220Cys)

Gene: GPD1L (glycerol-3-phosphate dehydrogenase 1 like; plus strand). Cytogenetic location: 3p22.3.
Variant type: single nucleotide variant.
Coding change: c.658C>T on transcript NM_015141.4 (MANE Select); coding-DNA position 658, C replaced by T.
Protein change: p.Arg220Cys; replaces arginine 220 with cysteine.
Molecular consequence: missense variant.
Genome position (GRCh38, 1-based): chr3:32,158,915, C>T. VCF-style: chr3-32158915-C-T. GRCh37 (hg19) VCF-style: chr3-32200407-C-T.
Other names: short protein forms R220C.
Identifiers: ClinVar variation 656217 (VCV000656217.11), dbSNP rs72546647, ClinGen allele CA2296722.

ClinVar aggregate classification (germline): Uncertain significance. Review status: criteria provided, multiple submitters, no conflicts (2 of 4 stars). 4 submissions from 4 submitters: Uncertain significance (4). Last evaluated 2025-01-27.

Conditions:
Cardiovascular phenotype. Identifiers: MedGen CN230736.
Brugada syndrome. Also called: Sudden unexplained nocturnal death syndrome; Sudden Unexplained Death Syndrome; Sudden Unexplained Nocturnal Death Syndrome (SUNDS); Sudden unexpected nocturnal death syndrome. Identifiers: Orphanet 130, MedGen C1142166, MONDO:0015263.
Brugada syndrome 2 (BRGDA2). Identifiers: Orphanet 130, MedGen C2673193, MONDO:0012728, OMIM 611777.

Allele frequency attached by ClinVar (database versions not stated): TOPMed 0.00003; gnomAD exomes 0.00004 and 0.00003; gnomAD 0.00005 and 0.00006; ExAC 0.00002.
gnomAD v4.1: 63 of 1,613,946 alleles (0.0039%); highest among the groups gnomAD compares: Non-Finnish European, 0.0051%; no homozygotes.

Submissions (4):

Labcorp Genetics (formerly Invitae), Labcorp
Classification: Uncertain significance for Brugada syndrome. Last evaluated: 2025-01-27. Review status: criteria provided, single submitter. Criteria: Invitae Variant Classification Sherloc (09022015). Collection method: clinical testing. Allele origin: germline.
Comment: This sequence change replaces arginine, which is basic and polar, with cysteine, which is neutral and slightly polar, at codon 220 of the GPD1L protein (p.Arg220Cys). This variant is present in population databases (rs72546647, gnomAD 0.005%). This missense change has been observed in individual(s) with arrhythmia (PMID: 30847666). ClinVar contains an entry for this variant (Variation ID: 656217). Invitae Evidence Modeling of protein sequence and biophysical properties (such as structural, functional, and spatial information, amino acid conservation, physicochemical variation, residue mobility, and thermodynamic stability) indicates that this missense variant is not expected to disrupt GPD1L protein function with a negative predictive value of 80%. In summary, the available evidence is currently insufficient to determine the role of this variant in disease. Therefore, it has been classified as a Variant of Uncertain Significance.

Ambry Genetics
Classification: Uncertain significance for Cardiovascular phenotype. Last evaluated: 2024-01-29. Review status: criteria provided, single submitter. Criteria: Ambry Variant Classification Scheme 2023. Collection method: clinical testing. Allele origin: germline.
Comment: The p.R220C variant (also known as c.658C>T), located in coding exon 6 of the GPD1L gene, results from a C to T substitution at nucleotide position 658. The arginine at codon 220 is replaced by cysteine, an amino acid with highly dissimilar properties. This amino acid position is poorly conserved in available vertebrate species. In addition, this alteration is predicted to be tolerated by in silico analysis. Since supporting evidence is limited at this time, the clinical significance of this alteration remains unclear.

GeneDx
Classification: Uncertain significance. Last evaluated: 2022-04-04. Review status: criteria provided, single submitter. Criteria: GeneDx Variant Classification Process June 2021. Collection method: clinical testing. Allele origin: germline. Affected: yes.
Comment: Identified in patients with arrhythmia in the published literature (van Lint et al., 2019); In silico analysis supports that this missense variant does not alter protein structure/function; This variant is associated with the following publications: (PMID: 30847666)

Fulgent Genetics
Classification: Uncertain significance for Brugada syndrome 2. Last evaluated: 2021-10-11. Review status: criteria provided, single submitter. Criteria: ACMG Guidelines, 2015. Collection method: clinical testing. Allele origin: unknown.

Literature cited by the submitters: PubMed 30847666 (cited by Labcorp Genetics (formerly Invitae), Labcorp).